The following is an entry in ClinVar:

NM_005477.3(HCN4):c.1642C>G (p.Arg548Gly)

Gene: HCN4 (hyperpolarization activated cyclic nucleotide gated potassium channel 4; minus strand). Cytogenetic location: 15q24.1.
Variant type: single nucleotide variant.
Coding change: c.1642C>G on transcript NM_005477.3 (MANE Select); coding-DNA position 1642, C replaced by G.
Protein change: p.Arg548Gly; replaces arginine 548 with glycine.
Molecular consequence: missense variant.
Genome position (GRCh38, 1-based): chr15:73,325,393, G>C on the plus strand (C>G on the coding strand, the complement: HCN4 is on the minus strand). VCF-style: chr15-73325393-G-C. GRCh37 (hg19) VCF-style: chr15-73617734-G-C.
Other names: short protein forms R548G.
Identifiers: ClinVar variation 2725734 (VCV002725734.3), dbSNP rs2042893178, ClinGen allele CA393092071.

ClinVar aggregate classification (germline): Uncertain significance (1 of 4 stars; one submission).

Conditions:
Brugada syndrome 8 (BRGDA8). Identifiers: Orphanet 130, MedGen C2751083, MONDO:0013148, OMIM 613123.

Submission:

Labcorp Genetics (formerly Invitae), Labcorp
Classification: Uncertain significance for Brugada syndrome 8. Last evaluated: 2025-12-15. Review status: criteria provided, single submitter. Criteria: Invitae Variant Classification Sherloc (09022015). Collection method: clinical testing. Allele origin: germline.
Comment: This sequence change replaces arginine, which is basic and polar, with glycine, which is neutral and non-polar, at codon 548 of the HCN4 protein (p.Arg548Gly). This variant is not present in population databases (gnomAD no frequency). This variant has not been reported in the literature in individuals affected with HCN4-related conditions. ClinVar contains an entry for this variant (Variation ID: 2725734). Invitae Evidence Modeling of protein sequence and biophysical properties (such as structural, functional, and spatial information, amino acid conservation, physicochemical variation, residue mobility, and thermodynamic stability) indicates that this missense variant is expected to disrupt HCN4 protein function with a positive predictive value of 95%. In summary, the available evidence is currently insufficient to determine the role of this variant in disease. Therefore, it has been classified as a Variant of Uncertain Significance.